The following is an entry in ClinVar:

ClinVar aggregate classification (germline): Uncertain significance (1 of 4 stars; one submission).

Allele frequency attached by ClinVar (database versions not stated): gnomAD exomes below 0.00001.
gnomAD v4.1: 1 of 1,169,492 alleles (0.000086%); highest among the groups gnomAD compares: East Asian, 0.0025%; no homozygotes.

Submission:

Labcorp Genetics (formerly Invitae), Labcorp
Classification: Uncertain significance. Last evaluated: 2023-11-06. Review status: criteria provided, single submitter. Criteria: Invitae Variant Classification Sherloc (09022015). Collection method: clinical testing. Allele origin: germline.
Comment: This variant occurs in a non-coding region of the EYS gene. It does not change the encoded amino acid sequence of the EYS protein. This variant is not present in population databases (gnomAD no frequency). This variant has not been reported in the literature in individuals affected with EYS-related conditions. ClinVar contains an entry for this variant (Variation ID: 1910550). In summary, the available evidence is currently insufficient to determine the role of this variant in disease. Therefore, it has been classified as a Variant of Uncertain Significance.

NM_001142800.2(EYS):c.-111C>T

Gene: EYS (EGF-like photoreceptor maintenance factor; minus strand). Cytogenetic location: 6q12.
Variant type: single nucleotide variant.
Coding change: c.-111C>T on transcript NM_001142800.2 (MANE Select); 111 bases upstream of the start codon, C replaced by T.
Molecular consequence: 5 prime UTR variant.
Genome position (GRCh38, 1-based): chr6:65,495,521, G>A on the plus strand (C>T on the coding strand, the complement: EYS is on the minus strand). VCF-style: chr6-65495521-G-A. GRCh37 (hg19) VCF-style: chr6-66205414-G-A.
Other names: c.-111C>T (NM_001142801.2, NM_001292009.2, NM_198283.2).
Identifiers: ClinVar variation 1910550 (VCV001910550.5), dbSNP rs1562222132, ClinGen allele CA1634249808.